The following is an entry in ClinVar:

ClinVar aggregate classification (germline): Benign (1 of 4 stars; one submission).

Conditions:
Brachydactyly. Also called: Brachydactyly syndrome; Brachydactyly (disease). Identifiers: MedGen C0221357, MONDO:0021004, HP:0001156.

Allele frequency attached by ClinVar (database versions not stated): 1000 Genomes Project 30x 0.00593; 1000 Genomes Project 0.00619; gnomAD 0.01095 and 0.01169; TOPMed 0.01147.

Submission:

Illumina Laboratory Services, Illumina
Classification: Benign for Brachydactyly. Last evaluated: 2018-01-12. Review status: criteria provided, single submitter. Criteria: ICSL Variant Classification Criteria 13 December 2019. Collection method: clinical testing. Allele origin: germline.
Comment: This variant was observed in the ICSL laboratory as part of a predisposition screen in an ostensibly healthy population. It had not been previously curated by ICSL or reported in the Human Gene Mutation Database (HGMD: prior to June 1st, 2018), and was therefore a candidate for classification through an automated scoring system. Utilizing variant allele frequency, disease prevalence and penetrance estimates, and inheritance mode, an automated score was calculated to assess if this variant is too frequent to cause the disease. Based on the score and internal cut-off values, a variant classified as benign is not then subjected to further curation. The score for this variant resulted in a classification of benign for this disease.

NM_001203.3(BMPR1B):c.*3618G>A

Gene: BMPR1B (bone morphogenetic protein receptor type 1B; plus strand). Cytogenetic location: 4q22.3.
Variant type: single nucleotide variant.
Coding change: c.*3618G>A on transcript NM_001203.3 (MANE Select); 3618 bases downstream of the stop codon, G replaced by A.
Molecular consequence: 3 prime UTR variant.
Genome position (GRCh38, 1-based): chr4:95,158,291, G>A. VCF-style: chr4-95158291-G-A. GRCh37 (hg19) VCF-style: chr4-96079442-G-A.
Other names: c.*3618G>A (NM_001256792.2, NM_001256793.2, NM_001256794.1).
Identifiers: ClinVar variation 350181 (VCV000350181.5), dbSNP rs76804339, ClinGen allele CA10622059.